The following is an entry in ClinVar:

NM_000215.4(JAK3):c.2609G>A (p.Arg870Gln)

Gene: JAK3 (Janus kinase 3; minus strand). Cytogenetic location: 19p13.11.
Variant type: single nucleotide variant.
Coding change: c.2609G>A on transcript NM_000215.4 (MANE Select); coding-DNA position 2609, G replaced by A.
Protein change: p.Arg870Gln; replaces arginine 870 with glutamine.
Molecular consequence: missense variant.
Genome position (GRCh38, 1-based): chr19:17,832,590, C>T on the plus strand (G>A on the coding strand, the complement: JAK3 is on the minus strand). VCF-style: chr19-17832590-C-T. GRCh37 (hg19) VCF-style: chr19-17943399-C-T.
Other names: short protein forms R870Q.
Identifiers: ClinVar variation 654610 (VCV000654610.8), dbSNP rs376945173, ClinGen allele CA9301569.

ClinVar aggregate classification (germline): Uncertain significance (1 of 4 stars; one submission).

Conditions:
T-B+ severe combined immunodeficiency due to JAK3 deficiency. Also called: SCID, autosomal recessive, T-negative/B-positive type; SCID, T CELL-NEGATIVE, B CELL-POSITIVE, NK CELL-NEGATIVE. Identifiers: Orphanet 35078, MedGen C1833275, MONDO:0010938, OMIM 600802.

Allele frequency attached by ClinVar (database versions not stated): 1000 Genomes Project below 0.00001; gnomAD 0.00001; ExAC 0.00002; TOPMed 0.00003; ESP Exome Variant Server 0.00008; 1000 Genomes Project 30x 0.00016.
gnomAD v4.1: 33 of 1,614,220 alleles (0.002%); highest among the groups gnomAD compares: East Asian, 0.033%; no homozygotes.

Submission:

Labcorp Genetics (formerly Invitae), Labcorp
Classification: Uncertain significance for T-B+ severe combined immunodeficiency due to JAK3 deficiency. Last evaluated: 2022-08-23. Review status: criteria provided, single submitter. Criteria: Invitae Variant Classification Sherloc (09022015). Collection method: clinical testing. Allele origin: germline.
Comment: This sequence change replaces arginine, which is basic and polar, with glutamine, which is neutral and polar, at codon 870 of the JAK3 protein (p.Arg870Gln). This variant is present in population databases (rs376945173, gnomAD 0.006%). This variant has not been reported in the literature in individuals affected with JAK3-related conditions. ClinVar contains an entry for this variant (Variation ID: 654610). Algorithms developed to predict the effect of missense changes on protein structure and function are either unavailable or do not agree on the potential impact of this missense change (SIFT: "Deleterious"; PolyPhen-2: "Probably Damaging"; Align-GVGD: "Class C0"). In summary, the available evidence is currently insufficient to determine the role of this variant in disease. Therefore, it has been classified as a Variant of Uncertain Significance.